The following is an entry in ClinVar:

NM_139242.4(MTFMT):c.542+174_542+181dup

Gene: MTFMT (mitochondrial methionyl-tRNA formyltransferase; minus strand). Cytogenetic location: 15q22.31.
Variant type: Duplication.
Coding change: c.542+174_542+181dup on transcript NM_139242.4 (MANE Select); bases 174 to 181 of the intron after coding-DNA position 542, 8 bases duplicated (CTTTTGGT; older notation c.542+174_542+181dupCTTTTGGT).
Molecular consequence: intron variant.
Genome position (GRCh38, 1-based): chr15:65,023,491-65,023,498, ACCAAAAG duplicated on the plus strand (CTTTTGGT on the coding strand, the reverse complement: MTFMT is on the minus strand); duplicating any 8 consecutive bases within chr15:65,023,491-65,023,500 gives the same sequence; the c. name uses the placement nearest the transcript's 3' end. VCF-style (leftmost placement, unchanged base first): chr15-65023490-T-TACCAAAAG. GRCh37 (hg19) VCF-style: chr15-65315828-T-TACCAAAAG.
Identifiers: ClinVar variation 673114 (VCV000673114.1), dbSNP rs201901922, ClinGen allele CA271500322.

ClinVar aggregate classification (germline): Likely benign (1 of 4 stars; one submission).

Submission:

GeneDx
Classification: Likely benign. Last evaluated: 2018-06-14. Review status: criteria provided, single submitter. Criteria: GeneDx Variant Classification (06012015). Collection method: clinical testing. Allele origin: germline. Affected: yes.
Comment: This variant is considered likely benign or benign based on one or more of the following criteria: it is a conservative change, it occurs at a poorly conserved position in the protein, it is predicted to be benign by multiple in silico algorithms, and/or has population frequency not consistent with disease.